The following is an entry in ClinVar:

NM_013275.6(ANKRD11):c.4929G>C (p.Pro1643=)

Gene: ANKRD11 (ankyrin repeat domain 11; minus strand). Cytogenetic location: 16q24.3.
Variant type: single nucleotide variant.
Coding change: c.4929G>C on transcript NM_013275.6 (MANE Select); coding-DNA position 4929, G replaced by C.
Protein change: p.Pro1643=; no amino-acid change (proline 1643 retained).
Molecular consequence: synonymous variant.
Genome position (GRCh38, 1-based): chr16:89,281,613, C>G on the plus strand (G>C on the coding strand, the complement: ANKRD11 is on the minus strand). VCF-style: chr16-89281613-C-G. GRCh37 (hg19) VCF-style: chr16-89348021-C-G.
Other names: c.4929G>C, p.Pro1643= (NM_001256182.2, NM_001256183.2).
Identifiers: ClinVar variation 733773 (VCV000733773.12), dbSNP rs142939070, ClinGen allele CA8242012.

ClinVar aggregate classification (germline): Likely benign. Review status: criteria provided, multiple submitters, no conflicts (2 of 4 stars). 3 submissions from 3 submitters: Likely benign (2). 1 of the submissions does not count toward it. Last evaluated 2022-08-16.

Conditions:
KBG syndrome (KBGS). Also called: ANKRD11-Related KBG Syndrome. Identifiers: Orphanet 2332, MedGen C0220687, MONDO:0007846, OMIM 148050.
Inborn genetic diseases. Identifiers: MedGen C0950123, MeSH D030342.
ANKRD11-related disorder. Also called: ANKRD11-related condition.

Allele frequency attached by ClinVar (database versions not stated): TOPMed 0.00002.
gnomAD v4.1: 19 of 1,614,046 alleles (0.0012%); highest among the groups gnomAD compares: Admixed American, 0.018%; no homozygotes.

Submissions (3):

Labcorp Genetics (formerly Invitae), Labcorp
Classification: Likely benign for KBG syndrome. Last evaluated: 2022-08-16. Review status: criteria provided, single submitter. Criteria: Invitae Variant Classification Sherloc (09022015). Collection method: clinical testing. Allele origin: germline.

Ambry Genetics
Classification: Likely benign for Inborn genetic diseases. Last evaluated: 2019-11-20. Review status: criteria provided, single submitter. Criteria: Ambry Variant Classification Scheme 2023. Collection method: clinical testing. Allele origin: germline.

PreventionGenetics, part of Exact Sciences
Classification: Likely benign for ANKRD11-related condition. Last evaluated: 2019-11-25. Review status: no assertion criteria provided. Collection method: clinical testing. Allele origin: germline. Not counted in ClinVar's aggregate classification.
Comment: This variant is classified as likely benign based on ACMG/AMP sequence variant interpretation guidelines (Richards et al. 2015 PMID: 25741868, with internal and published modifications).